The following is an entry in ClinVar:

ClinVar aggregate classification (germline): Uncertain significance. Review status: criteria provided, multiple submitters, no conflicts (2 of 4 stars). 2 submissions from 2 submitters: Uncertain significance (2). Last evaluated 2025-03-25.

Conditions:
Inborn genetic diseases. Identifiers: MedGen C0950123, MeSH D030342.

Allele frequency attached by ClinVar (database versions not stated): gnomAD exomes below 0.00001; gnomAD 0.00001.
gnomAD v4.1: 2 of 1,580,896 alleles (0.00013%); highest among the groups gnomAD compares: Non-Finnish European, 0.00017%; no homozygotes.

Submissions (2):

Labcorp Genetics (formerly Invitae), Labcorp
Classification: Uncertain significance. Last evaluated: 2025-03-25. Review status: criteria provided, single submitter. Criteria: Invitae Variant Classification Sherloc (09022015). Collection method: clinical testing. Allele origin: germline.
Comment: This sequence change replaces arginine, which is basic and polar, with histidine, which is basic and polar, at codon 117 of the KIF2A protein (p.Arg117His). This variant is not present in population databases (gnomAD no frequency). This variant has not been reported in the literature in individuals affected with KIF2A-related conditions. ClinVar contains an entry for this variant (Variation ID: 2474116). An algorithm developed to predict the effect of missense changes on protein structure and function (PolyPhen-2) suggests that this variant is likely to be tolerated. In summary, the available evidence is currently insufficient to determine the role of this variant in disease. Therefore, it has been classified as a Variant of Uncertain Significance.

Ambry Genetics
Classification: Uncertain significance for Inborn genetic diseases. Last evaluated: 2023-01-06. Review status: criteria provided, single submitter. Criteria: Ambry Variant Classification Scheme 2023. Collection method: clinical testing. Allele origin: germline.

NM_001098511.3(KIF2A):c.350G>A (p.Arg117His)

Gene: KIF2A (kinesin family member 2A; plus strand). Cytogenetic location: 5q12.1.
Variant type: single nucleotide variant.
Coding change: c.350G>A on transcript NM_001098511.3 (MANE Select); coding-DNA position 350, G replaced by A.
Protein change: p.Arg117His; replaces arginine 117 with histidine.
Molecular consequence: missense variant.
Genome position (GRCh38, 1-based): chr5:62,352,603, G>A. VCF-style: chr5-62352603-G-A. GRCh37 (hg19) VCF-style: chr5-61648430-G-A.
Other names: c.269G>A, p.Arg90His (NM_001243952.2); c.350G>A, p.Arg117His (NM_001243953.2, NM_004520.5); short protein forms R117H, R90H.
Identifiers: ClinVar variation 2474116 (VCV002474116.4), dbSNP rs1260020552, ClinGen allele CA359948823.